The following is an entry in ClinVar:

NM_004714.3(DYRK1B):c.766A>G (p.Lys256Glu)

Gene: DYRK1B (dual specificity tyrosine phosphorylation regulated kinase 1B; minus strand). Cytogenetic location: 19q13.2.
Variant type: single nucleotide variant.
Coding change: c.766A>G on transcript NM_004714.3 (MANE Select); coding-DNA position 766, A replaced by G.
Protein change: p.Lys256Glu; replaces lysine 256 with glutamic acid.
Molecular consequence: missense variant.
Genome position (GRCh38, 1-based): chr19:39,828,338, T>C on the plus strand (A>G on the coding strand, the complement: DYRK1B is on the minus strand). VCF-style: chr19-39828338-T-C. GRCh37 (hg19) VCF-style: chr19-40318978-T-C.
Other names: c.766A>G, p.Lys256Glu (NM_006483.3, NM_006484.3); short protein forms K256E.
Identifiers: ClinVar variation 5019734 (VCV005019734.2).

ClinVar aggregate classification (germline): Uncertain significance (1 of 4 stars; one submission).

Conditions:
Abdominal obesity-metabolic syndrome 3 (AOMS3). Also called: CENTRAL OBESITY, TYPE 2 DIABETES, HYPERTENSION, AND EARLY-ONSET CORONARY ARTERY DISEASE. Identifiers: MedGen C4014361, MONDO:0014352, OMIM 615812.

Submission:

Juno Genomics, Hangzhou Juno Genomics, Inc
Classification: Uncertain significance for Abdominal obesity-metabolic syndrome 3. Review status: criteria provided, single submitter. Criteria: ACMG Guidelines, 2015. Collection method: clinical testing. Allele origin: germline.
Comment: Absent from controls (or at extremely low frequency if recessive) in Genome Aggregation Database.;Multiple lines of computational evidence support a deleterious effect on the gene or gene product.